The following is an entry in ClinVar:

ClinVar aggregate classification (germline): Uncertain significance. Review status: criteria provided, single submitter (1 of 4 stars). 2 submissions from 2 submitters: Uncertain significance (1). 1 of the submissions does not count toward it. Last evaluated 2022-02-07.

Conditions:
Alstrom syndrome (ALMS). Identifiers: Orphanet 64, MedGen C0268425, MONDO:0008763, OMIM 203800.

Submissions (2):

Labcorp Genetics (formerly Invitae), Labcorp
Classification: Uncertain significance for Alstrom syndrome. Last evaluated: 2022-02-07. Review status: criteria provided, single submitter. Criteria: Invitae Variant Classification Sherloc (09022015). Collection method: clinical testing. Allele origin: germline.
Comment: In summary, the available evidence is currently insufficient to determine the role of this variant in disease. Therefore, it has been classified as a Variant of Uncertain Significance. Experimental studies and prediction algorithms are not available or were not evaluated, and the functional significance of this variant is currently unknown. This variant has not been reported in the literature in individuals affected with ALMS1-related conditions. This variant is not present in population databases (gnomAD no frequency). This sequence change replaces glutamic acid, which is acidic and polar, with glycine, which is neutral and non-polar, at codon 1244 of the ALMS1 protein (p.Glu1244Gly).

Natera, Inc.
Classification: Uncertain significance for Alstrom syndrome. Last evaluated: 2025-02-24. Review status: no assertion criteria provided. Collection method: clinical testing. Allele origin: germline. Not counted in ClinVar's aggregate classification.

NM_001378454.1(ALMS1):c.3728A>G (p.Glu1243Gly)

Gene: ALMS1 (ALMS1 centrosome and basal body associated protein; plus strand). Cytogenetic location: 2p13.1.
Variant type: single nucleotide variant.
Coding change: c.3728A>G on transcript NM_001378454.1 (MANE Select); coding-DNA position 3728, A replaced by G.
Protein change: p.Glu1243Gly; replaces glutamic acid 1243 with glycine.
Molecular consequence: missense variant.
Genome position (GRCh38, 1-based): chr2:73,450,255, A>G. VCF-style: chr2-73450255-A-G. GRCh37 (hg19) VCF-style: chr2-73677382-A-G.
Other names: c.3731A>G, p.Glu1244Gly (NM_015120.4); short protein forms E1243G, E1244G.
Identifiers: ClinVar variation 2094402 (VCV002094402.5), dbSNP rs2466099201, ClinGen allele CA347276382.
Genomic context (GRCh38, chr2:73,450,255, plus strand): 5'-GACCAGCTGACCAGAAGACTGGGACACCAACTCCAACCTCTGCTTCTTACTCACACACAG[A>G]GAAGCCTGGTATTTTCTACCAACAGGTCTTGCCAGATAATCATCCAACTGAAGAGGCTCT-3'
Protein context (NP_001365383.1, residues 1233-1253): TPTSASYSHT[Glu1243Gly]KPGIFYQQVL